The following is an entry in ClinVar:

ClinVar aggregate classification (germline): Conflicting classifications of pathogenicity. Review status: criteria provided, conflicting classifications (1 of 4 stars). 6 submissions from 5 submitters: Uncertain significance (2); Likely benign (4). Last evaluated 2025-12-16.

Conditions:
Autosomal recessive ataxia, Beauce type. Also called: Spinocerebellar ataxia, autosomal recessive 8; ATAXIA, RECESSIVE, OF BEAUCE; SYNE1-Related Autosomal Recessive Cerebellar Ataxia; SYNE1 Deficiency. Identifiers: Orphanet 88644, MedGen C1853116, MONDO:0012549, OMIM 610743.
Emery-Dreifuss muscular dystrophy 4, autosomal dominant (EDMD4). Also called: EMERY-DREIFUSS MUSCULAR DYSTROPHY 4 WITH VARIABLE FEATURES. Identifiers: Orphanet 261, MedGen C2751807, MONDO:0013071, OMIM 612998.

Allele frequency attached by ClinVar (database versions not stated): ExAC 0.00005; gnomAD exomes 0.00005; TOPMed 0.00006; gnomAD 0.00007 and 0.00008.
gnomAD v4.1: 127 of 1,613,978 alleles (0.0079%); highest among the groups gnomAD compares: Non-Finnish European, 0.01%; no homozygotes.

Submissions (6):

Labcorp Genetics (formerly Invitae), Labcorp
Classification: Likely benign for Emery-Dreifuss muscular dystrophy 4, autosomal dominant; Autosomal recessive ataxia, Beauce type. Last evaluated: 2025-12-16. Review status: criteria provided, single submitter. Criteria: Invitae Variant Classification Sherloc (09022015). Collection method: clinical testing. Allele origin: germline.

Mayo Clinic Laboratories, Mayo Clinic
Classification: Likely benign. Last evaluated: 2025-10-31. Review status: criteria provided, single submitter. Criteria: ACMG Guidelines, 2015. Collection method: clinical testing. Allele origin: germline. Observed: 1 variant allele.
Comment: BP4, BP7

Athena Diagnostics
Classification: Likely benign. Last evaluated: 2019-05-22. Review status: criteria provided, single submitter. Criteria: Athena Diagnostics Criteria. Collection method: clinical testing. Allele origin: germline.

Illumina Laboratory Services, Illumina
Classification: Likely benign for Emery-Dreifuss muscular dystrophy 4, autosomal dominant. Last evaluated: 2018-01-12. Review status: criteria provided, single submitter. Criteria: ICSL Variant Classification Criteria 13 December 2019. Collection method: clinical testing. Allele origin: germline.
Comment: This variant was observed in the ICSL laboratory as part of a predisposition screen in an ostensibly healthy population. It had not been previously curated by ICSL or reported in the Human Gene Mutation Database (HGMD: prior to June 1st, 2018), and was therefore a candidate for classification through an automated scoring system. Utilizing variant allele frequency, disease prevalence and penetrance estimates, and inheritance mode, an automated score was calculated to assess if this variant is too frequent to cause the disease. Based on the score and internal cut-off values, a variant classified as likely benign is not then subjected to further curation. The score for this variant resulted in a classification of likely benign for this disease.

Illumina Laboratory Services, Illumina
Classification: Uncertain significance for Autosomal recessive ataxia, Beauce type. Last evaluated: 2018-01-12. Review status: criteria provided, single submitter. Criteria: ICSL Variant Classification Criteria 13 December 2019. Collection method: clinical testing. Allele origin: germline.

Eurofins Ntd Llc (ga)
Classification: Uncertain significance. Last evaluated: 2016-09-17. Review status: criteria provided, single submitter. Criteria: EGL Classification Definitions 2015. Collection method: clinical testing. Allele origin: germline. Observed: 3 variant alleles, 3 heterozygotes.

NM_182961.4(SYNE1):c.22038A>G (p.Ser7346=)

Gene: SYNE1 (spectrin repeat containing nuclear envelope protein 1; minus strand). Cytogenetic location: 6q25.2.
Variant type: single nucleotide variant.
Coding change: c.22038A>G on transcript NM_182961.4 (MANE Select); coding-DNA position 22038, A replaced by G.
Protein change: p.Ser7346=; no amino-acid change (serine 7346 retained).
Molecular consequence: synonymous variant.
Genome position (GRCh38, 1-based): chr6:152,219,009, T>C on the plus strand (A>G on the coding strand, the complement: SYNE1 is on the minus strand). VCF-style: chr6-152219009-T-C. GRCh37 (hg19) VCF-style: chr6-152540144-T-C.
Other names: p.Ser7275=; c.21825A>G, p.Ser7275= (NM_033071.5).
Identifiers: ClinVar variation 283035 (VCV000283035.22), dbSNP rs201392317, ClinGen allele CA4053994.